The following is an entry in ClinVar:

ClinVar aggregate classification (germline): Pathogenic. Review status: criteria provided, single submitter (1 of 4 stars). 2 submissions from 2 submitters: Pathogenic (1). 1 of the submissions does not count toward it. Last evaluated 2024-04-11.

Conditions:
Charcot-Marie-Tooth disease axonal type 2T. Identifiers: Orphanet 443950, MedGen C4015635, OMIM 617017, MONDO:0014866.

Allele frequency attached by ClinVar (database versions not stated): TOPMed below 0.00001; gnomAD 0.00001; gnomAD exomes 0.00001 and 0.00004; ExAC 0.00008.
gnomAD v4.1: 13 of 1,576,250 alleles (0.00082%); highest among the groups gnomAD compares: East Asian, 0.029%; no homozygotes.

Submissions (2):

Labcorp Genetics (formerly Invitae), Labcorp
Classification: Pathogenic. Last evaluated: 2024-04-11. Review status: criteria provided, single submitter. Criteria: Invitae Variant Classification Sherloc (09022015). Collection method: clinical testing. Allele origin: germline.
Comment: This sequence change affects an acceptor splice site in intron 7 of the MME gene. It is expected to disrupt RNA splicing. Variants that disrupt the donor or acceptor splice site typically lead to a loss of protein function (PMID: 16199547), and loss-of-function variants in MME are known to be pathogenic (PMID: 26991897). This variant is present in population databases (rs765591205, gnomAD 0.06%). Disruption of this splice site has been observed in individual(s) with autosomal recessive Charcot-Marie-Tooth disease (PMID: 26991897). In at least one individual the data is consistent with being in trans (on the opposite chromosome) from a pathogenic variant. ClinVar contains an entry for this variant (Variation ID: 242841). Algorithms developed to predict the effect of sequence changes on RNA splicing suggest that this variant may disrupt the consensus splice site. For these reasons, this variant has been classified as Pathogenic.

OMIM
Classification: Pathogenic for CHARCOT-MARIE-TOOTH DISEASE, AXONAL, TYPE 2T. Last evaluated: 2016-07-06. Review status: no assertion criteria provided. Collection method: literature only. Allele origin: germline. Not counted in ClinVar's aggregate classification.

Literature cited by the submitters: PubMed 16199547 (cited by Labcorp Genetics (formerly Invitae), Labcorp); PubMed 26991897 (cited by Labcorp Genetics (formerly Invitae), Labcorp and OMIM).

NM_007289.4(MME):c.655-2A>G

Gene: MME (membrane metalloendopeptidase; plus strand). Cytogenetic location: 3q25.2.
Variant type: single nucleotide variant.
Coding change: c.655-2A>G on transcript NM_007289.4 (MANE Select); the canonical splice acceptor site of the intron before coding-DNA position 655, A replaced by G.
Molecular consequence: splice acceptor variant.
Genome position (GRCh38, 1-based): chr3:155,118,744, A>G. VCF-style: chr3-155118744-A-G. GRCh37 (hg19) VCF-style: chr3-154836533-A-G.
Other names: IVS7AS, A-G, -2; c.655-2A>G (NM_001354642.2, NM_000902.5, NM_007287.4 and 2 more transcripts).
Identifiers: ClinVar variation 242841 (VCV000242841.6), dbSNP rs765591205, ClinGen allele CA2675233.